The following is an entry in ClinVar:

ClinVar aggregate classification (germline): Uncertain significance (1 of 4 stars; one submission).

Conditions:
Hyperornithinemia-hyperammonemia-homocitrullinuria syndrome (HHHS). Also called: Ornithine translocase deficiency; HHH SYNDROME. Identifiers: Orphanet 415, MedGen C0268540, MONDO:0009393, OMIM 238970.

Allele frequency attached by ClinVar (database versions not stated): TOPMed below 0.00001.
gnomAD v4.1: 2 of 1,614,208 alleles (0.00012%); highest among the groups gnomAD compares: African/African-American, 0.0013%; no homozygotes.

Submission:

Labcorp Genetics (formerly Invitae), Labcorp
Classification: Uncertain significance for Hyperornithinemia-hyperammonemia-homocitrullinuria syndrome. Last evaluated: 2021-11-23. Review status: criteria provided, single submitter. Criteria: Invitae Variant Classification Sherloc (09022015). Collection method: clinical testing. Allele origin: germline.
Comment: This sequence change replaces lysine, which is basic and polar, with arginine, which is basic and polar, at codon 53 of the SLC25A15 protein (p.Lys53Arg). This variant is present in population databases (no rsID available, gnomAD 0.007%). This variant has not been reported in the literature in individuals affected with SLC25A15-related conditions. Algorithms developed to predict the effect of missense changes on protein structure and function output the following: SIFT: "Tolerated"; PolyPhen-2: "Benign"; Align-GVGD: "Class C0". The arginine amino acid residue is found in multiple mammalian species, which suggests that this missense change does not adversely affect protein function. In summary, the available evidence is currently insufficient to determine the role of this variant in disease. Therefore, it has been classified as a Variant of Uncertain Significance.

NM_014252.4(SLC25A15):c.158A>G (p.Lys53Arg)

Gene: SLC25A15 (solute carrier family 25 member 15; plus strand). Cytogenetic location: 13q14.11.
Variant type: single nucleotide variant.
Coding change: c.158A>G on transcript NM_014252.4 (MANE Select); coding-DNA position 158, A replaced by G.
Protein change: p.Lys53Arg; replaces lysine 53 with arginine.
Molecular consequence: missense variant. On other transcripts: non-coding transcript variant (2).
Genome position (GRCh38, 1-based): chr13:40,799,159, A>G. VCF-style: chr13-40799159-A-G. GRCh37 (hg19) VCF-style: chr13-41373295-A-G.
Other names: short protein forms K53R.
Identifiers: ClinVar variation 1461002 (VCV001461002.3), dbSNP rs746560103, ClinGen allele CA387916824.